The following is an entry in ClinVar:

ClinVar aggregate classification (germline): Uncertain significance (1 of 4 stars; one submission).

Conditions:
IFT172-related disorder. Also called: IFT172-related condition; IFT172-related disorders.

Submission:

PreventionGenetics, part of Exact Sciences
Classification: Uncertain significance for IFT172-related condition. Last evaluated: 2026-02-17. Review status: criteria provided, single submitter. Criteria: ACMG Guidelines, 2015. Collection method: clinical testing. Allele origin: germline.
Comment: The IFT172 c.1520T>G variant is predicted to result in the amino acid substitution p.Leu507Arg. To our knowledge, this variant has not been reported in the literature or in a large population database (gnomAD), indicating this variant is rare. At this time, the clinical significance of this variant is uncertain due to the absence of conclusive functional and genetic evidence.

NM_015662.3(IFT172):c.1520T>G (p.Leu507Arg)

Gene: IFT172 (intraflagellar transport 172; minus strand). Cytogenetic location: 2p23.3.
Variant type: single nucleotide variant.
Coding change: c.1520T>G on transcript NM_015662.3 (MANE Select); coding-DNA position 1520, T replaced by G.
Protein change: p.Leu507Arg; replaces leucine 507 with arginine.
Molecular consequence: missense variant.
Genome position (GRCh38, 1-based): chr2:27,472,254, A>C on the plus strand (T>G on the coding strand, the complement: IFT172 is on the minus strand). VCF-style: chr2-27472254-A-C. GRCh37 (hg19) VCF-style: chr2-27695121-A-C.
Other names: c.1520T>G, p.Leu507Arg (NM_001410739.1); short protein forms L507R.
Identifiers: ClinVar variation 4995427 (VCV004995427.1).